The following is an entry in ClinVar:

NM_032444.4(SLX4):c.4130C>G (p.Ser1377Trp)

Gene: SLX4 (SLX4 structure-specific endonuclease subunit; minus strand). Cytogenetic location: 16p13.3.
Variant type: single nucleotide variant.
Coding change: c.4130C>G on transcript NM_032444.4 (MANE Select); coding-DNA position 4130, C replaced by G.
Protein change: p.Ser1377Trp; replaces serine 1377 with tryptophan.
Molecular consequence: missense variant.
Genome position (GRCh38, 1-based): chr16:3,589,508, G>C on the plus strand (C>G on the coding strand, the complement: SLX4 is on the minus strand). VCF-style: chr16-3589508-G-C. GRCh37 (hg19) VCF-style: chr16-3639509-G-C.
Other names: short protein forms S1377W.
Identifiers: ClinVar variation 1016631 (VCV001016631.6), dbSNP rs770241338, ClinGen allele CA394518360.

ClinVar aggregate classification (germline): Uncertain significance (1 of 4 stars; one submission).

Conditions:
Fanconi anemia (FA). Also called: Fanconi's anemia. Identifiers: Orphanet 84, MedGen C0015625, MeSH D005199, MONDO:0019391.

Submission:

Labcorp Genetics (formerly Invitae), Labcorp
Classification: Uncertain significance for Fanconi anemia. Last evaluated: 2021-08-13. Review status: criteria provided, single submitter. Criteria: Invitae Variant Classification Sherloc (09022015). Collection method: clinical testing. Allele origin: germline.
Comment: This sequence change replaces serine with tryptophan at codon 1377 of the SLX4 protein (p.Ser1377Trp). The serine residue is moderately conserved and there is a large physicochemical difference between serine and tryptophan. This variant is not present in population databases (ExAC no frequency). This variant has not been reported in the literature in individuals affected with SLX4-related conditions. Algorithms developed to predict the effect of missense changes on protein structure and function are either unavailable or do not agree on the potential impact of this missense change (SIFT: "Deleterious"; PolyPhen-2: "Probably Damaging"; Align-GVGD: "Class C0"). In summary, the available evidence is currently insufficient to determine the role of this variant in disease. Therefore, it has been classified as a Variant of Uncertain Significance.